The following is an entry in ClinVar:

NM_001004334.4(GPR179):c.5569G>A (p.Glu1857Lys)

Gene: GPR179 (G protein-coupled receptor 179; minus strand). Cytogenetic location: 17q12.
Variant type: single nucleotide variant.
Coding change: c.5569G>A on transcript NM_001004334.4 (MANE Select); coding-DNA position 5569, G replaced by A.
Protein change: p.Glu1857Lys; replaces glutamic acid 1857 with lysine.
Molecular consequence: missense variant.
Genome position (GRCh38, 1-based): chr17:38,328,000, C>T on the plus strand (G>A on the coding strand, the complement: GPR179 is on the minus strand). VCF-style: chr17-38328000-C-T. GRCh37 (hg19) VCF-style: chr17-36483883-C-T.
Other names: short protein forms E1857K.
Identifiers: ClinVar variation 1715776 (VCV001715776.5), dbSNP rs2512157380, ClinGen allele CA398871412.
Genomic context (GRCh38, chr17:38,328,000, plus strand): 5'-CCCAAATACAAATAGTTTCCTGTTGTTGACACAGTTTTGCCATCCCTTTTGATACGTCTT[C>T]TCCCAGGGAAGTGAGTCTCCCCTTTTCTAGAGCTTTCTCCCTCTGCTCTGCTGATTCACT-3'
Protein context (NP_001004334.3, residues 1847-1867): LEKGRLTSLG[Glu1857Lys]DVSKGMAKLC

ClinVar aggregate classification (germline): Uncertain significance (1 of 4 stars; one submission).

Submission:

Labcorp Genetics (formerly Invitae), Labcorp
Classification: Uncertain significance. Last evaluated: 2025-09-08. Review status: criteria provided, single submitter. Criteria: Invitae Variant Classification Sherloc (09022015). Collection method: clinical testing. Allele origin: germline.
Comment: This sequence change replaces glutamic acid, which is acidic and polar, with lysine, which is basic and polar, at codon 1857 of the GPR179 protein (p.Glu1857Lys). This variant is not present in population databases (gnomAD no frequency). This variant has not been reported in the literature in individuals affected with GPR179-related conditions. ClinVar contains an entry for this variant (Variation ID: 1715776). An algorithm developed to predict the effect of missense changes on protein structure and function outputs the following: PolyPhen-2: "Benign". The lysine amino acid residue is found in multiple mammalian species, which suggests that this missense change does not adversely affect protein function. In summary, the available evidence is currently insufficient to determine the role of this variant in disease. Therefore, it has been classified as a Variant of Uncertain Significance.